The following is an entry in ClinVar:

ClinVar aggregate classification (germline): Uncertain significance (1 of 4 stars; one submission).

Conditions:
Pitt-Hopkins-like syndrome 2 (PTHSL2). Identifiers: Orphanet 221150, Orphanet 600663, MedGen C3280479, MONDO:0013690, OMIM 614325.

gnomAD v4.1: 3 of 1,464,194 alleles (0.0002%); highest among the groups gnomAD compares: South Asian, 0.0029%; no homozygotes.

Submission:

Labcorp Genetics (formerly Invitae), Labcorp
Classification: Uncertain significance for Pitt-Hopkins-like syndrome 2. Last evaluated: 2025-07-18. Review status: criteria provided, single submitter. Criteria: Invitae Variant Classification Sherloc (09022015). Collection method: clinical testing. Allele origin: germline.
Comment: This sequence change replaces glycine, which is neutral and non-polar, with aspartic acid, which is acidic and polar, at codon 10 of the NRXN1 protein (p.Gly10Asp). The frequency data for this variant in the population databases is considered unreliable, as metrics indicate poor data quality at this position in the gnomAD database. This variant has not been reported in the literature in individuals affected with NRXN1-related conditions. An algorithm developed to predict the effect of missense changes on protein structure and function (PolyPhen-2) suggests that this variant is likely to be disruptive. In summary, the available evidence is currently insufficient to determine the role of this variant in disease. Therefore, it has been classified as a Variant of Uncertain Significance.

NM_001330078.2(NRXN1):c.29G>A (p.Gly10Asp)

Gene: NRXN1 (neurexin 1; minus strand). Cytogenetic location: 2p16.3.
Variant type: single nucleotide variant.
Coding change: c.29G>A on transcript NM_001330078.2 (MANE Select); coding-DNA position 29, G replaced by A.
Protein change: p.Gly10Asp; replaces glycine 10 with aspartic acid.
Molecular consequence: missense variant.
Genome position (GRCh38, 1-based): chr2:51,028,245, C>T on the plus strand (G>A on the coding strand, the complement: NRXN1 is on the minus strand). VCF-style: chr2-51028245-C-T. GRCh37 (hg19) VCF-style: chr2-51255383-C-T.
Other names: c.29G>A, p.Gly10Asp (NM_001135659.3, NM_001330077.2, NM_001330079.2 and 15 more transcripts); short protein forms G10D.
Identifiers: ClinVar variation 4744423 (VCV004744423.1).